The following is an entry in ClinVar:

NM_003072.5(SMARCA4):c.489G>T (p.Gly163=)

Gene: SMARCA4 (SWI/SNF related BAF chromatin remodeling complex subunit ATPase 4; plus strand). Cytogenetic location: 19p13.2.
Variant type: single nucleotide variant.
Coding change: c.489G>T on transcript NM_003072.5 (MANE Select); coding-DNA position 489, G replaced by T.
Protein change: p.Gly163=; no amino-acid change (glycine 163 retained).
Molecular consequence: synonymous variant. On other transcripts: non-coding transcript variant (1).
Genome position (GRCh38, 1-based): chr19:10,986,322, G>T. VCF-style: chr19-10986322-G-T. GRCh37 (hg19) VCF-style: chr19-11096998-G-T.
Other names: c.489G>T, p.Gly163= (NM_001128844.3, NM_001128845.2, NM_001128846.2 and 5 more transcripts).
Identifiers: ClinVar variation 480665 (VCV000480665.18), dbSNP rs1201612670, ClinGen allele CA505743889.

ClinVar aggregate classification (germline): Conflicting classifications of pathogenicity. Review status: criteria provided, conflicting classifications (1 of 4 stars). 3 submissions from 3 submitters: Uncertain significance (1); Likely benign (2). Last evaluated 2025-07-29.

Conditions:
Rhabdoid tumor predisposition syndrome 2 (RTPS2). Identifiers: Orphanet 231108, Orphanet 69077, MedGen C2750074, MONDO:0013224, OMIM 613325.
Small cell carcinoma of the ovary, hypercalcemic type. Identifiers: MedGen C4013716.
Intellectual disability, autosomal dominant 16 (CSS4). Also called: COFFIN-SIRIS SYNDROME 4. Identifiers: Orphanet 1465, MedGen C3553249, MONDO:0013821, OMIM 614609.
Hereditary cancer-predisposing syndrome. Also called: Hereditary Cancer Syndrome; Neoplastic Syndromes, Hereditary; Tumor predisposition; Hereditary neoplastic syndrome. Identifiers: Orphanet 140162, MedGen C0027672, MeSH D009386, MONDO:0015356.

Submissions (3):

Labcorp Genetics (formerly Invitae), Labcorp
Classification: Likely benign for Rhabdoid tumor predisposition syndrome 2. Last evaluated: 2025-07-29. Review status: criteria provided, single submitter. Criteria: Invitae Variant Classification Sherloc (09022015). Collection method: clinical testing. Allele origin: germline.

Genome-Nilou Lab
Classification: Uncertain significance for Intellectual disability, autosomal dominant 16. Last evaluated: 2021-07-15. Review status: criteria provided, single submitter. Criteria: ACMG Guidelines, 2015. Collection method: clinical testing. Allele origin: germline. Affected: no.

Ambry Genetics
Classification: Likely benign for Hereditary cancer-predisposing syndrome. Last evaluated: 2016-12-15. Review status: criteria provided, single submitter. Criteria: Ambry Variant Classification Scheme 2023. Collection method: clinical testing. Allele origin: germline.